The following is an entry in ClinVar:

ClinVar aggregate classification (germline): Conflicting classifications of pathogenicity. Review status: criteria provided, conflicting classifications (1 of 4 stars). 2 submissions from 2 submitters: Uncertain significance (1); Likely benign (1). Last evaluated 2023-09-06.

Conditions:
Atrial fibrillation, familial, 7 (ATFB7). Identifiers: MedGen C2677106, MONDO:0012828, OMIM 612240.

Allele frequency attached by ClinVar (database versions not stated): gnomAD exomes 0.00003; ESP Exome Variant Server 0.00008.

Submissions (2):

Labcorp Genetics (formerly Invitae), Labcorp
Classification: Uncertain significance for Atrial fibrillation, familial, 7. Last evaluated: 2023-09-06. Review status: criteria provided, single submitter. Criteria: Invitae Variant Classification Sherloc (09022015). Collection method: clinical testing. Allele origin: germline.
Comment: In summary, the available evidence is currently insufficient to determine the role of this variant in disease. Therefore, it has been classified as a Variant of Uncertain Significance. An algorithm developed to predict the effect of missense changes on protein structure and function (PolyPhen-2) suggests that this variant is likely to be tolerated. This variant has not been reported in the literature in individuals affected with KCNA5-related conditions. This variant is not present in population databases (gnomAD no frequency). This sequence change replaces proline, which is neutral and non-polar, with serine, which is neutral and polar, at codon 82 of the KCNA5 protein (p.Pro82Ser).

Blueprint Genetics
Classification: Likely benign. Last evaluated: 2021-09-23. Review status: criteria provided, single submitter. Criteria: ACMG Guidelines, 2015. Collection method: clinical testing. Allele origin: germline.

NM_002234.4(KCNA5):c.244C>T (p.Pro82Ser)

Gene: KCNA5 (potassium voltage-gated channel subfamily A member 5; plus strand). Cytogenetic location: 12p13.32.
Variant type: single nucleotide variant.
Coding change: c.244C>T on transcript NM_002234.4 (MANE Select); coding-DNA position 244, C replaced by T.
Protein change: p.Pro82Ser; replaces proline 82 with serine.
Molecular consequence: missense variant.
Genome position (GRCh38, 1-based): chr12:5,044,391, C>T. VCF-style: chr12-5044391-C-T. GRCh37 (hg19) VCF-style: chr12-5153557-C-T.
Other names: short protein forms P82S.
Identifiers: ClinVar variation 2725346 (VCV002725346.4), dbSNP rs373960118, ClinGen allele CA6399576.
Genomic context (GRCh38, chr12:5,044,391, plus strand): 5'-TCGGGAGTGCGGCCCTTGCCTCCGCTGCCGGACCCGGGAGTGCGGCCCTTGCCTCCGCTG[C>T]CAGAGGAGCTGCCACGGCCTCGACGGCCGCCTCCCGAGGACGAGGAGGAAGAAGGCGATC-3'
Protein context (NP_002225.2, residues 72-92): DPGVRPLPPL[Pro82Ser]EELPRPRRPP